The following is an entry in ClinVar:

NM_000435.3(NOTCH3):c.5081G>A (p.Arg1694Gln)

Gene: NOTCH3 (notch receptor 3; minus strand). Cytogenetic location: 19p13.12.
Variant type: single nucleotide variant.
Coding change: c.5081G>A on transcript NM_000435.3 (MANE Select); coding-DNA position 5081, G replaced by A.
Protein change: p.Arg1694Gln; replaces arginine 1694 with glutamine.
Molecular consequence: missense variant.
Genome position (GRCh38, 1-based): chr19:15,170,364, C>T on the plus strand (G>A on the coding strand, the complement: NOTCH3 is on the minus strand). VCF-style: chr19-15170364-C-T. GRCh37 (hg19) VCF-style: chr19-15281175-C-T.
Other names: p.Arg1694Gln; short protein forms R1694Q.
Identifiers: ClinVar variation 1723897 (VCV001723897.3), dbSNP rs2145399919, ClinGen allele CA404497167.

ClinVar aggregate classification (germline): Uncertain significance (1 of 4 stars; one submission).

Conditions:
Cerebral arteriopathy, autosomal dominant, with subcortical infarcts and leukoencephalopathy, type 1 (CADASIL1). Also called: DEMENTIA, HEREDITARY MULTIINFARCT TYPE; CADASIL 1; CASIL; Cerebral arteriopathy with subcortical infarcts and leukoencephalopathy 1. Identifiers: Orphanet 136, MedGen C4551768, MONDO:0000914, OMIM 125310.

Allele frequency attached by ClinVar (database versions not stated): gnomAD exomes below 0.00001.
gnomAD v4.1: 2 of 1,613,746 alleles (0.00012%); highest among the groups gnomAD compares: Non-Finnish European, 0.00017%; no homozygotes.

Submission:

Foundation for Research in Genetics and Endocrinology, FRIGE's Institute of Human Genetics
Classification: Uncertain significance for Cerebral arteriopathy, autosomal dominant, with subcortical infarcts and leukoencephalopathy, type 1. Last evaluated: 2022-09-26. Review status: criteria provided, single submitter. Criteria: ACMG Guidelines, 2015. Collection method: clinical testing. Allele origin: germline. Inheritance: Autosomal dominant inheritance. Affected: yes. Observed: 1 heterozygote.
Comment: A heterozygous missense variation in exon 27 of the NOTCH3 gene that results in the amino acid substitution of Glutamine for Arginine at codon 1694 was detected . This variant has not been reported in the 1000 genomes and gnomAD databases and has a minor allele frequency of 0.002% in our internal database. The in silico predictions of the variant are probably damaging by PolyPhen-2 (HumDiv) and damaging by SIFT and MutationTaster2. The reference codon is conserved across species. In summary, the variant meets our criteria to be classified as a variant of uncertain significance.